The following is an entry in ClinVar:

NC_000003.11:g.(?_10127476)_(10136978_?)del

Genes: FANCD2 (FA complementation group D2; plus strand), FANCD2OS (FANCD2 opposite strand; minus strand). Cytogenetic location: 3p25.3.
Variant type: Deletion.
Identifiers: ClinVar variation 2427113 (VCV002427113.4).

ClinVar aggregate classification (germline): Pathogenic (1 of 4 stars; one submission).

Conditions:
Fanconi anemia (FA). Also called: Fanconi's anemia. Identifiers: Orphanet 84, MedGen C0015625, MeSH D005199, MONDO:0019391.

Submission:

Labcorp Genetics (formerly Invitae), Labcorp
Classification: Pathogenic for Fanconi anemia. Last evaluated: 2022-09-10. Review status: criteria provided, single submitter. Criteria: Invitae Variant Classification Sherloc (09022015). Collection method: clinical testing. Allele origin: germline.
Comment: For these reasons, this variant has been classified as Pathogenic. This variant has not been reported in the literature in individuals affected with FANCD2-related conditions. This variant is a gross deletion of the genomic region encompassing exon(s) 33-41 of the FANCD2 gene. This deletion is out-of-frame, and is expected to create a premature termination codon and result in an absent or disrupted protein product. Loss-of-function variants in FANCD2 are known to be pathogenic (PMID: 17436244).

Literature cited by the submitters: PubMed 17436244.